The following is an entry in ClinVar:

ClinVar aggregate classification (germline): Pathogenic/Likely pathogenic. Review status: criteria provided, multiple submitters, no conflicts (2 of 4 stars). 4 submissions from 4 submitters: Pathogenic (3); Likely pathogenic (1). Last evaluated 2024-05-05.

Conditions:
Hereditary cancer-predisposing syndrome. Also called: Neoplastic Syndromes, Hereditary; Hereditary Cancer Syndrome; Tumor predisposition; Hereditary neoplastic syndrome. Identifiers: Orphanet 140162, MedGen C0027672, MeSH D009386, MONDO:0015356.
Familial cancer of breast. Also called: BREAST CANCER, FAMILIAL; Hereditary breast cancer; hereditary breast carcinoma. Identifiers: Orphanet 227535, MedGen C0346153, MONDO:0016419, OMIM 114480. Disease mechanism: loss of function.

Submissions (4):

Labcorp Genetics (formerly Invitae), Labcorp
Classification: Pathogenic for Familial cancer of breast. Last evaluated: 2024-05-05. Review status: criteria provided, single submitter. Criteria: Invitae Variant Classification Sherloc (09022015). Collection method: clinical testing. Allele origin: germline.
Comment: This sequence change creates a premature translational stop signal (p.Gln615Serfs*21) in the BARD1 gene. It is expected to result in an absent or disrupted protein product. Loss-of-function variants in BARD1 are known to be pathogenic (PMID: 20077502, 21344236). This variant is not present in population databases (gnomAD no frequency). This premature translational stop signal has been observed in individual(s) with BARD1-related cancer risk (PMID: 32068069). ClinVar contains an entry for this variant (Variation ID: 1929293). For these reasons, this variant has been classified as Pathogenic.

Ambry Genetics
Classification: Pathogenic for Hereditary cancer-predisposing syndrome. Last evaluated: 2023-07-21. Review status: criteria provided, single submitter. Criteria: Ambry Variant Classification Scheme 2023. Collection method: clinical testing. Allele origin: germline.
Comment: The c.1838_1841dupCAGT pathogenic mutation, located in coding exon 9 of the BARD1 gene, results from a duplication of CAGT at nucleotide position 1838, causing a translational frameshift with a predicted alternate stop codon (p.Q615Sfs*21). This alteration was identified in a cohort of 1338 Chinese high-risk breast and/or ovarian cancer patients (Kwong A et al. J Mol Diagn, 2020 Apr;22:544-554). This variant is considered to be rare based on population cohorts in the Genome Aggregation Database (gnomAD). In addition to the clinical data presented in the literature, this alteration is expected to result in loss of function by premature protein truncation or nonsense-mediated mRNA decay. As such, this alteration is interpreted as a disease-causing mutation.

Myriad Genetics, Inc.
Classification: Pathogenic for Familial cancer of breast. Last evaluated: 2023-05-24. Review status: criteria provided, single submitter. Criteria: Myriad Autosomal Dominant, Autosomal Recessive and X-Linked Classification Criteria (2023). Collection method: clinical testing. Allele origin: unknown.
Comment: This variant is considered pathogenic. This variant creates a frameshift predicted to result in premature protein truncation.

Baylor Genetics
Classification: Likely pathogenic for Familial cancer of breast. Last evaluated: 2021-05-11. Review status: criteria provided, single submitter. Criteria: ACMG Guidelines, 2015. Collection method: clinical testing. Allele origin: unknown.

Literature cited by the submitters: PubMed 20077502 (cited by Labcorp Genetics (formerly Invitae), Labcorp); PubMed 21344236 (cited by Labcorp Genetics (formerly Invitae), Labcorp); PubMed 32068069 (cited by Labcorp Genetics (formerly Invitae), Labcorp and Ambry Genetics).

NM_000465.4(BARD1):c.1838_1841dup (p.Gln615fs)

Gene: BARD1 (BRCA1 associated RING domain 1; minus strand). Cytogenetic location: 2q35.
Variant type: Duplication.
Coding change: c.1838_1841dup on transcript NM_000465.4 (MANE Select); coding-DNA positions 1838 to 1841, 4 bases duplicated (CAGT; older notation c.1838_1841dupCAGT).
Protein change: p.Gln615fs; shifts the reading frame from glutamine 615.
Molecular consequence: frameshift variant. On other transcripts: non-coding transcript variant (3), intron variant (1).
Genome position (GRCh38, 1-based): chr2:214,745,129-214,745,132, ACTG duplicated on the plus strand (CAGT on the coding strand, the reverse complement: BARD1 is on the minus strand). VCF-style (leftmost placement, unchanged base first): chr2-214745128-A-AACTG. GRCh37 (hg19) VCF-style: chr2-215609852-A-AACTG.
Other names: c.1781_1784dup, p.Gln596fs (NM_001282543.2); c.485_488dup, p.Gln164fs (NM_001282545.2); c.428_431dup, p.Gln145fs (NM_001282548.2); c.365-14624_365-14621dup (NM_001282549.2); c.1838_1841dupCAGT (NM_000465.2); short protein forms Q596fs, Q164fs, Q615fs, Q145fs.
Identifiers: ClinVar variation 1929293 (VCV001929293.9), dbSNP rs2469338229, ClinGen allele CA2580065599.